The following is an entry in ClinVar:

ClinVar aggregate classification (germline): Uncertain significance. Review status: criteria provided, multiple submitters, no conflicts (2 of 4 stars). 2 submissions from 2 submitters: Uncertain significance (2). Last evaluated 2024-03-03.

Conditions:
Hereditary pancreatitis (PCTT). Also called: Hereditary chronic pancreatitis; PRSS1-Related Hereditary Pancreatitis. Identifiers: Orphanet 676, MedGen C0238339, MONDO:0008185, OMIM 167800.

Allele frequency attached by ClinVar (database versions not stated): gnomAD exomes below 0.00001.

Submissions (2):

Ambry Genetics
Classification: Uncertain significance for Hereditary pancreatitis. Last evaluated: 2024-03-03. Review status: criteria provided, single submitter. Criteria: Ambry Variant Classification Scheme 2023. Collection method: clinical testing. Allele origin: germline.
Comment: The p.F188L variant (also known as c.564C>G), located in coding exon 4 of the PRSS1 gene, results from a C to G substitution at nucleotide position 564. The phenylalanine at codon 188 is replaced by leucine, an amino acid with highly similar properties. This amino acid position is conserved. In addition, the in silico prediction for this alteration is inconclusive. Based on the available evidence, the clinical significance of this alteration remains unclear.

Labcorp Genetics (formerly Invitae), Labcorp
Classification: Uncertain significance for Hereditary pancreatitis. Last evaluated: 2020-04-23. Review status: criteria provided, single submitter. Criteria: Invitae Variant Classification Sherloc (09022015). Collection method: clinical testing. Allele origin: germline.
Comment: In summary, the available evidence is currently insufficient to determine the role of this variant in disease. Therefore, it has been classified as a Variant of Uncertain Significance. Algorithms developed to predict the effect of missense changes on protein structure and function are either unavailable or do not agree on the potential impact of this missense change (SIFT: "Deleterious"; PolyPhen-2: "Benign"; Align-GVGD: "Class C15"). This variant has not been reported in the literature in individuals with PRSS1-related conditions. This variant is not present in population databases (ExAC no frequency). This sequence change replaces phenylalanine with leucine at codon 188 of the PRSS1 protein (p.Phe188Leu). The phenylalanine residue is highly conserved and there is a small physicochemical difference between phenylalanine and leucine.

NM_002769.5(PRSS1):c.564C>G (p.Phe188Leu)

Genes: TRB (T cell receptor beta locus; plus strand), PRSS1 (serine protease 1; plus strand). Cytogenetic location: 7q34.
Variant type: single nucleotide variant.
Coding change: c.564C>G on transcript NM_002769.5 (MANE Select); coding-DNA position 564, C replaced by G.
Protein change: p.Phe188Leu; replaces phenylalanine 188 with leucine.
Molecular consequence: missense variant.
Genome position (GRCh38, 1-based): chr7:142,752,540, C>G. VCF-style: chr7-142752540-C-G. GRCh37 (hg19) VCF-style: chr7-142460391-C-G.
Other names: c.564C>G (NM_002769.4); short protein forms F188L.
Identifiers: ClinVar variation 1034579 (VCV001034579.9), dbSNP rs1250731677, ClinGen allele CA369610402.